The following is an entry in ClinVar:

NM_030653.4(DDX11):c.1888del (p.Arg630fs)

Gene: DDX11 (DEAD/H-box helicase 11; plus strand). Cytogenetic location: 12p11.21.
Variant type: Deletion.
Coding change: c.1888del on transcript NM_030653.4 (MANE Select); coding-DNA position 1888, one base deleted (C; older notation c.1888delC).
Protein change: p.Arg630fs; shifts the reading frame from arginine 630.
Molecular consequence: frameshift variant.
Genome position (GRCh38, 1-based): chr12:31,100,647, C deleted; the last of 2 consecutive C bases (chr12:31,100,646-31,100,647); deleting either gives the same sequence. VCF-style (leftmost placement, unchanged base first): chr12-31100645-TC-T. GRCh37 (hg19) VCF-style: chr12-31253579-TC-T.
Other names: c.1888del, p.Arg630fs (NM_001257144.2, NM_004399.3, NM_152438.2); c.1810del, p.Arg604fs (NM_001257145.2); short protein forms R604fs, R630fs.
Identifiers: ClinVar variation 585158 (VCV000585158.5), dbSNP rs766936952, ClinGen allele CA6501550.

ClinVar aggregate classification (germline): Likely pathogenic (1 of 4 stars; one submission).

Conditions:
DDX11-related disorders.
Warsaw breakage syndrome (WABS). Also called: DDX11-Related Cohesinopathy. Identifiers: Orphanet 280558, MedGen C3150658, MONDO:0013252, OMIM 613398.

Submission:

Blueprint Genetics
Classification: Likely pathogenic for DDX11-related disorders. Last evaluated: 2022-02-16. Review status: criteria provided, single submitter. Criteria: ACMG Guidelines, 2015. Collection method: clinical testing. Allele origin: germline. Affected: yes. Observed: 2 variant alleles.